The following is an entry in ClinVar:

NM_005896.4(IDH1):c.985C>T (p.Pro329Ser)

Gene: IDH1 (isocitrate dehydrogenase (NADP(+)) 1; minus strand). Cytogenetic location: 2q34.
Variant type: single nucleotide variant.
Coding change: c.985C>T on transcript NM_005896.4 (MANE Select); coding-DNA position 985, C replaced by T.
Protein change: p.Pro329Ser; replaces proline 329 with serine.
Molecular consequence: missense variant.
Genome position (GRCh38, 1-based): chr2:208,239,869, G>A on the plus strand (C>T on the coding strand, the complement: IDH1 is on the minus strand). VCF-style: chr2-208239869-G-A. GRCh37 (hg19) VCF-style: chr2-209104593-G-A.
Other names: c.985C>T, p.Pro329Ser (NM_001282386.1, NM_001282387.1); short protein forms P329S.
Identifiers: ClinVar variation 1768418 (VCV001768418.2), dbSNP rs1687884644, ClinGen allele CA350095002.

ClinVar aggregate classification (germline): Uncertain significance (1 of 4 stars; one submission).

Submission:

Ambry Genetics
Classification: Uncertain significance. Last evaluated: 2021-09-01. Review status: criteria provided, single submitter. Criteria: Ambry Variant Classification Scheme 2023. Collection method: clinical testing. Allele origin: germline.
Comment: The p.P329S variant (also known as c.985C>T), located in coding exon 6 of the IDH1 gene, results from a C to T substitution at nucleotide position 985. The proline at codon 329 is replaced by serine, an amino acid with similar properties. This amino acid position is conserved. In addition, this alteration is predicted to be deleterious by in silico analysis. Since supporting evidence is limited at this time, the clinical significance of this alteration remains unclear.